The following is an entry in ClinVar:

NM_053025.4(MYLK):c.1652G>C (p.Gly551Ala)

Gene: MYLK (myosin light chain kinase; minus strand). Cytogenetic location: 3q21.1.
Variant type: single nucleotide variant.
Coding change: c.1652G>C on transcript NM_053025.4 (MANE Select); coding-DNA position 1652, G replaced by C.
Protein change: p.Gly551Ala; replaces glycine 551 with alanine.
Molecular consequence: missense variant.
Genome position (GRCh38, 1-based): chr3:123,722,280, C>G on the plus strand (G>C on the coding strand, the complement: MYLK is on the minus strand). VCF-style: chr3-123722280-C-G. GRCh37 (hg19) VCF-style: chr3-123441127-C-G.
Other names: c.1124G>C, p.Gly375Ala (NM_001321309.2); c.1445G>C, p.Gly482Ala (NM_053026.4, NM_053028.4); c.1652G>C, p.Gly551Ala (NM_053027.4); short protein forms G482A, G375A, G551A.
Identifiers: ClinVar variation 3401129 (VCV003401129.2).

ClinVar aggregate classification (germline): Uncertain significance. Review status: criteria provided, multiple submitters, no conflicts (2 of 4 stars). 2 submissions from 2 submitters: Uncertain significance (2). Last evaluated 2024-11-10.

Conditions:
Familial thoracic aortic aneurysm and aortic dissection (TAAD). Also called: Thoracic aortic aneurysms and dissections. Identifiers: Orphanet 91387, MedGen C4707243, MONDO:0019625.

gnomAD v4.1: 13 of 1,565,980 alleles (0.00083%); highest among the groups gnomAD compares: Non-Finnish European, 0.0011%; no homozygotes.

Submissions (2):

Ambry Genetics
Classification: Uncertain significance for Familial thoracic aortic aneurysm and aortic dissection. Last evaluated: 2024-11-10. Review status: criteria provided, single submitter. Criteria: Ambry Variant Classification Scheme 2023. Collection method: clinical testing. Allele origin: germline.
Comment: The p.G551A variant (also known as c.1652G>C) is located in coding exon 10 of the MYLK gene. The glycine at codon 551 is replaced by alanine, an amino acid with similar properties. This change occurs in the first base pair of coding exon 10. This amino acid position is conserved. In addition, this alteration is predicted to be tolerated by in silico analysis. Based on the available evidence, the clinical significance of this variant remains unclear.

Blueprint Genetics
Classification: Uncertain significance. Last evaluated: 2021-05-06. Review status: criteria provided, single submitter. Criteria: ACMG Guidelines, 2015. Collection method: clinical testing. Allele origin: germline.